The following is an entry in ClinVar:

NM_001367561.1(DOCK7):c.3300+5T>C

Gene: DOCK7 (dedicator of cytokinesis 7; minus strand). Cytogenetic location: 1p31.3.
Variant type: single nucleotide variant.
Coding change: c.3300+5T>C on transcript NM_001367561.1 (MANE Select); 5 bases into the intron after coding-DNA position 3300, T replaced by C.
Molecular consequence: intron variant.
Genome position (GRCh38, 1-based): chr1:62,539,540, A>G on the plus strand (T>C on the coding strand, the complement: DOCK7 is on the minus strand). VCF-style: chr1-62539540-A-G. GRCh37 (hg19) VCF-style: chr1-63005211-A-G.
Other names: c.3207+5T>C (NM_001272001.2, NM_001272000.2, NM_033407.4); c.3300+5T>C (NM_001271999.2, NM_001330614.2).
Identifiers: ClinVar variation 951394 (VCV000951394.6), dbSNP rs760985915, ClinGen allele CA886041.

ClinVar aggregate classification (germline): Uncertain significance (1 of 4 stars; one submission).

Conditions:
Developmental and epileptic encephalopathy, 23 (DEE23). Also called: Epileptic encephalopathy, early infantile, 23. Identifiers: Orphanet 411986, MedGen C4014492, MONDO:0014371, OMIM 615859.

Allele frequency attached by ClinVar (database versions not stated): gnomAD exomes below 0.00001 and 0.00001; ExAC 0.00001; gnomAD 0.00001; TOPMed 0.00001.
gnomAD v4.1: 2 of 1,591,810 alleles (0.00013%); highest among the groups gnomAD compares: African/African-American, 0.0027%; no homozygotes.

Submission:

Labcorp Genetics (formerly Invitae), Labcorp
Classification: Uncertain significance for Developmental and epileptic encephalopathy, 23. Last evaluated: 2022-05-07. Review status: criteria provided, single submitter. Criteria: Invitae Variant Classification Sherloc (09022015). Collection method: clinical testing. Allele origin: germline.
Comment: In summary, the available evidence is currently insufficient to determine the role of this variant in disease. Therefore, it has been classified as a Variant of Uncertain Significance. Variants that disrupt the consensus splice site are a relatively common cause of aberrant splicing (PMID: 17576681, 9536098). Algorithms developed to predict the effect of sequence changes on RNA splicing suggest that this variant is not likely to affect RNA splicing. ClinVar contains an entry for this variant (Variation ID: 951394). This variant has not been reported in the literature in individuals affected with DOCK7-related conditions. This variant is present in population databases (rs760985915, gnomAD 0.01%). This sequence change falls in intron 27 of the DOCK7 gene. It does not directly change the encoded amino acid sequence of the DOCK7 protein. It affects a nucleotide within the consensus splice site.

Literature cited by the submitters: PubMed 17576681; PubMed 9536098.